The following is an entry in ClinVar:

ClinVar aggregate classification (germline): Uncertain significance. Review status: criteria provided, multiple submitters, no conflicts (2 of 4 stars). 2 submissions from 2 submitters: Uncertain significance (2). Last evaluated 2025-12-21.

Allele frequency attached by ClinVar (database versions not stated): gnomAD exomes 0.00001; TOPMed 0.00001.
gnomAD v4.1: 9 of 1,608,344 alleles (0.00056%); highest among the groups gnomAD compares: Admixed American, 0.0017%; no homozygotes.

Submissions (2):

Labcorp Genetics (formerly Invitae), Labcorp
Classification: Uncertain significance. Last evaluated: 2025-12-21. Review status: criteria provided, single submitter. Criteria: Invitae Variant Classification Sherloc (09022015). Collection method: clinical testing. Allele origin: germline.
Comment: This sequence change replaces glycine, which is neutral and non-polar, with alanine, which is neutral and non-polar, at codon 256 of the ZMIZ1 protein (p.Gly256Ala). This variant is present in population databases (no rsID available, gnomAD 0.002%). This variant has not been reported in the literature in individuals affected with ZMIZ1-related conditions. ClinVar contains an entry for this variant (Variation ID: 2640635). Invitae Evidence Modeling of protein sequence and biophysical properties (such as structural, functional, and spatial information, amino acid conservation, physicochemical variation, residue mobility, and thermodynamic stability) indicates that this missense variant is not expected to disrupt ZMIZ1 protein function with a negative predictive value of 95%. In summary, the available evidence is currently insufficient to determine the role of this variant in disease. Therefore, it has been classified as a Variant of Uncertain Significance.

CeGaT Center for Human Genetics Tuebingen
Classification: Uncertain significance. Last evaluated: 2023-09-01. Review status: criteria provided, single submitter. Criteria: CeGaT Center For Human Genetics Tuebingen Variant Classification Criteria Version 2. Collection method: clinical testing. Allele origin: germline. Affected: yes. Observed: 1 variant allele.

NM_020338.4(ZMIZ1):c.767G>C (p.Gly256Ala)

Gene: ZMIZ1 (zinc finger MIZ-type containing 1; plus strand). Cytogenetic location: 10q22.3.
Variant type: single nucleotide variant.
Coding change: c.767G>C on transcript NM_020338.4 (MANE Select); coding-DNA position 767, G replaced by C.
Protein change: p.Gly256Ala; replaces glycine 256 with alanine.
Molecular consequence: missense variant.
Genome position (GRCh38, 1-based): chr10:79,292,166, G>C. VCF-style: chr10-79292166-G-C. GRCh37 (hg19) VCF-style: chr10-81051923-G-C.
Other names: short protein forms G256A.
Identifiers: ClinVar variation 2640635 (VCV002640635.25), dbSNP rs559577195, ClinGen allele CA377332788.